The following is an entry in ClinVar:

NM_006393.3(NEBL):c.2481C>G (p.His827Gln)

Gene: NEBL (nebulette; minus strand). Cytogenetic location: 10p12.31.
Variant type: single nucleotide variant.
Coding change: c.2481C>G on transcript NM_006393.3 (MANE Select); coding-DNA position 2481, C replaced by G.
Protein change: p.His827Gln; replaces histidine 827 with glutamine.
Molecular consequence: missense variant.
Genome position (GRCh38, 1-based): chr10:20,812,806, G>C on the plus strand (C>G on the coding strand, the complement: NEBL is on the minus strand). VCF-style: chr10-20812806-G-C. GRCh37 (hg19) VCF-style: chr10-21101735-G-C.
Other names: c.492C>G, p.His164Gln (NM_001173484.2, NM_001377322.1, NM_213569.2); c.444C>G, p.His148Gln (NM_001377323.1); c.435C>G, p.His145Gln (NM_001377324.1); c.426C>G, p.His142Gln (NM_001377325.1); c.384C>G, p.His128Gln (NM_001377326.1, NM_001377327.1, NM_001377328.1); short protein forms H145Q, H148Q, H164Q, H142Q, H827Q, H128Q.
Identifiers: ClinVar variation 3008887 (VCV003008887.3), dbSNP rs1267205282, ClinGen allele CA376093250.

ClinVar aggregate classification (germline): Uncertain significance (1 of 4 stars; one submission).

Conditions:
Primary dilated cardiomyopathy (DCM). Also called: Dilated Cardiomyopathy. Identifiers: Orphanet 217604, MedGen C0007193, MeSH D002311, MONDO:0005021, HP:0001644. Inheritance: Various modes of inheritance.

Allele frequency attached by ClinVar (database versions not stated): gnomAD exomes below 0.00001.
gnomAD v4.1: 1 of 1,613,992 alleles (0.000062%); highest among the groups gnomAD compares: Middle Eastern, 0.016%; no homozygotes.

Submission:

Labcorp Genetics (formerly Invitae), Labcorp
Classification: Uncertain significance for Primary dilated cardiomyopathy. Last evaluated: 2024-01-11. Review status: criteria provided, single submitter. Criteria: Invitae Variant Classification Sherloc (09022015). Collection method: clinical testing. Allele origin: germline.
Comment: This sequence change replaces histidine, which is basic and polar, with glutamine, which is neutral and polar, at codon 827 of the NEBL protein (p.His827Gln). This variant is present in population databases (no rsID available, gnomAD no frequency). This variant has not been reported in the literature in individuals affected with NEBL-related conditions. Algorithms developed to predict the effect of missense changes on protein structure and function output the following: SIFT: "Not Available"; PolyPhen-2: "Benign"; Align-GVGD: "Not Available". The glutamine amino acid residue is found in multiple mammalian species, which suggests that this missense change does not adversely affect protein function. In summary, the available evidence is currently insufficient to determine the role of this variant in disease. Therefore, it has been classified as a Variant of Uncertain Significance.